The following is an entry in ClinVar:

NM_000038.6(APC):c.6261_6266del (p.Asp2087_Ser2088del)

Gene: APC (APC regulator of Wnt signaling pathway; plus strand). Cytogenetic location: 5q22.2.
Variant type: Deletion.
Coding change: c.6261_6266del on transcript NM_000038.6 (MANE Select); coding-DNA positions 6261 to 6266, 6 bases deleted (TTCAGA; older notation c.6261_6266delTTCAGA).
Protein change: p.Asp2087_Ser2088del.
Molecular consequence: non-coding transcript variant (on NR_176365.1).
Genome position (GRCh38, 1-based): chr5:112,841,855-112,841,860, TTCAGA deleted; deleting any 6 consecutive bases within chr5:112,841,851-112,841,860 gives the same sequence; the c. name uses the placement nearest the transcript's 3' end. VCF-style (leftmost placement, unchanged base first): chr5-112841850-CCAGATT-C. GRCh37 (hg19) VCF-style: chr5-112177547-CCAGATT-C.
Other names: c.6261_6266del, p.Asp2087_Ser2088del (NM_001127510.3, NM_001354895.2, NM_001407450.1); c.6207_6212del, p.Asp2069_Ser2070del (NM_001127511.3); c.6315_6320del, p.Asp2105_Ser2106del (NM_001354896.2, NM_001407447.1, NM_001407448.1 and 1 more transcripts); c.6291_6296del, p.Asp2097_Ser2098del (NM_001354897.2); c.6186_6191del, p.Asp2062_Ser2063del (NM_001354898.2); c.6177_6182del, p.Asp2059_Ser2060del (NM_001354899.2); c.6138_6143del, p.Asp2046_Ser2047del (NM_001354900.2); c.6084_6089del, p.Asp2028_Ser2029del (NM_001354901.2, NM_001407453.1); and 11 more.
Identifiers: ClinVar variation 3411358 (VCV003411358.1).

ClinVar aggregate classification (germline): Uncertain significance (1 of 4 stars; one submission).

Conditions:
Hereditary cancer-predisposing syndrome. Also called: Neoplastic Syndromes, Hereditary; Tumor predisposition; Hereditary Cancer Syndrome; Hereditary neoplastic syndrome. Identifiers: Orphanet 140162, MedGen C0027672, MeSH D009386, MONDO:0015356.

Submission:

Ambry Genetics
Classification: Uncertain significance for Hereditary cancer-predisposing syndrome. Last evaluated: 2024-10-09. Review status: criteria provided, single submitter. Criteria: Ambry Variant Classification Scheme 2023. Collection method: clinical testing. Allele origin: germline.
Comment: The c.6261_6266delTTCAGA variant (also known as p.D2087_S2088del) is located in coding exon 15 of the APC gene. This variant results from an in-frame TTCAGA deletion at nucleotide positions 6261 to 6266. This results in the in-frame deletion of two amino acids at codons 2087 and 2088. This amino acid region is well conserved in available vertebrate species. In addition, this alteration is predicted to be neutral by in silico analysis (Choi Y et al. PLoS ONE. 2012; 7(10):e46688). Based on the available evidence, the clinical significance of this variant remains unclear.